The following is an entry in ClinVar:

ClinVar aggregate classification (germline): Uncertain significance. Review status: criteria provided, multiple submitters, no conflicts (2 of 4 stars). 2 submissions from 2 submitters: Uncertain significance (2). Last evaluated 2025-06-10.

Conditions:
Psoriasis 2. Identifiers: MedGen C1864497, MONDO:0011269, OMIM 602723.
Pityriasis rubra pilaris (PRP). Also called: Pityriasis rubra pilaris--familial type. Identifiers: Orphanet 2897, MedGen C0032027, MONDO:0100017, OMIM 173200, MONDO:0008251.

Allele frequency attached by ClinVar (database versions not stated): ExAC 0.00001; gnomAD exomes 0.00001 and 0.00002.
gnomAD v4.1: 11 of 1,612,778 alleles (0.00068%); highest among the groups gnomAD compares: Middle Eastern, 0.033%; no homozygotes.

Submissions (2):

GeneDx
Classification: Uncertain significance. Last evaluated: 2025-06-10. Review status: criteria provided, single submitter. Criteria: GeneDx Variant Classification Process June 2021. Collection method: clinical testing. Allele origin: germline. Affected: yes.
Comment: In silico analysis suggests that this missense variant does not alter protein structure/function; Has not been previously published as pathogenic or benign to our knowledge

Labcorp Genetics (formerly Invitae), Labcorp
Classification: Uncertain significance for Pityriasis rubra pilaris; Psoriasis 2. Last evaluated: 2025-04-29. Review status: criteria provided, single submitter. Criteria: Invitae Variant Classification Sherloc (09022015). Collection method: clinical testing. Allele origin: germline.
Comment: This sequence change replaces proline, which is neutral and non-polar, with leucine, which is neutral and non-polar, at codon 510 of the CARD14 protein (p.Pro510Leu). This variant is present in population databases (rs756350753, gnomAD 0.006%). This variant has not been reported in the literature in individuals affected with CARD14-related conditions. ClinVar contains an entry for this variant (Variation ID: 1042084). Invitae Evidence Modeling of protein sequence and biophysical properties (such as structural, functional, and spatial information, amino acid conservation, physicochemical variation, residue mobility, and thermodynamic stability) indicates that this missense variant is not expected to disrupt CARD14 protein function with a negative predictive value of 95%. In summary, the available evidence is currently insufficient to determine the role of this variant in disease. Therefore, it has been classified as a Variant of Uncertain Significance.

NM_001366385.1(CARD14):c.1529C>T (p.Pro510Leu)

Gene: CARD14 (caspase recruitment domain family member 14; plus strand). Cytogenetic location: 17q25.3.
Variant type: single nucleotide variant.
Coding change: c.1529C>T on transcript NM_001366385.1 (MANE Select); coding-DNA position 1529, C replaced by T.
Protein change: p.Pro510Leu; replaces proline 510 with leucine.
Molecular consequence: missense variant. On other transcripts: non-coding transcript variant (1).
Genome position (GRCh38, 1-based): chr17:80,195,587, C>T. VCF-style: chr17-80195587-C-T. GRCh37 (hg19) VCF-style: chr17-78169386-C-T.
Other names: c.1529C>T, p.Pro510Leu (NM_001257970.1, NM_024110.4); c.818C>T, p.Pro273Leu (NM_052819.3); short protein forms P273L, P510L.
Identifiers: ClinVar variation 1042084 (VCV001042084.10), dbSNP rs756350753, ClinGen allele CA8816859.